The following is an entry in ClinVar:

NM_001040108.2(MLH3):c.1870G>C (p.Glu624Gln)

Gene: MLH3 (mutL homolog 3; minus strand). Cytogenetic location: 14q24.3.
Variant type: single nucleotide variant.
Coding change: c.1870G>C on transcript NM_001040108.2 (MANE Select); coding-DNA position 1870, G replaced by C.
Protein change: p.Glu624Gln; replaces glutamic acid 624 with glutamine.
Molecular consequence: missense variant.
Genome position (GRCh38, 1-based): chr14:75,047,786, C>G on the plus strand (G>C on the coding strand, the complement: MLH3 is on the minus strand). VCF-style: chr14-75047786-C-G. GRCh37 (hg19) VCF-style: chr14-75514489-C-G.
Other names: c.1870G>C, p.Glu624Gln (NM_014381.3); short protein forms E624Q.
Identifiers: ClinVar variation 5560 (VCV000005560.33), dbSNP rs28756986, ClinGen allele CA117592.
Genomic context (GRCh38, chr14:75,047,786, plus strand): 5'-TTCCAAATGTTTCTTGGGCACGTGTGGGACCAGGTCTAACATAATTTTTAAATGAATGTT[C>G]TGTTTCAGTTGATTTAGTTTTTTCATTTTGTACTACATGAGTTATAAAGCCAGTGGAACA-3'
Protein context (NP_001035197.1, residues 614-634): QNEKTKSTET[Glu624Gln]HSFKNYVRPG

ClinVar aggregate classification (germline): Benign/Likely benign. Review status: criteria provided, multiple submitters, no conflicts (2 of 4 stars). 12 submissions from 12 submitters: Benign (3); Likely benign (5). 4 of the submissions do not count toward it. Last evaluated 2026-02-04.

Conditions:
Colorectal cancer, hereditary nonpolyposis, type 7. Identifiers: Orphanet 144, MedGen C1858380, MONDO:0013725, OMIM 614385.

Allele frequency attached by ClinVar (database versions not stated): 1000 Genomes Project 0.00419; 1000 Genomes Project 30x 0.00437; TOPMed 0.00689; gnomAD exomes 0.00716 and 0.00991; ExAC 0.00729; gnomAD 0.00750 and 0.00772.
gnomAD v4.1: 15,555 of 1,614,018 alleles (0.96%); highest among the groups gnomAD compares: Non-Finnish European, 1.2%; 95 homozygotes.

Submissions (12):

Labcorp Genetics (formerly Invitae), Labcorp
Classification: Benign for Colorectal cancer, hereditary nonpolyposis, type 7. Last evaluated: 2026-02-04. Review status: criteria provided, single submitter. Criteria: Invitae Variant Classification Sherloc (09022015). Collection method: clinical testing. Allele origin: germline.

Mayo Clinic Laboratories, Mayo Clinic
Classification: Likely benign. Last evaluated: 2025-04-10. Review status: criteria provided, single submitter. Criteria: ACMG Guidelines, 2015. Collection method: clinical testing. Allele origin: germline. Observed: 15 variant alleles.
Comment: BS1, BP4

Center for Genomic Medicine, Rigshospitalet, Copenhagen University Hospital
Classification: Likely benign. Last evaluated: 2025-03-04. Review status: criteria provided, single submitter. Criteria: ACMG Guidelines, 2015. Collection method: clinical testing. Allele origin: germline.

ARUP Laboratories, Molecular Genetics and Genomics, ARUP Laboratories
Classification: Benign. Last evaluated: 2024-11-12. Review status: criteria provided, single submitter. Criteria: ARUP Molecular Germline Variant Investigation Process 2024. Collection method: clinical testing. Allele origin: germline.

Ambry Genetics
Classification: Benign. Last evaluated: 2020-07-01. Review status: criteria provided, single submitter. Criteria: Ambry Variant Classification Scheme 2023. Collection method: clinical testing. Allele origin: germline.

Institute of Human Genetics, University of Leipzig Medical Center
Classification: Likely benign for Colorectal cancer, hereditary nonpolyposis, type 7. Last evaluated: 2019-01-01. Review status: criteria provided, single submitter. Criteria: ACMG Guidelines, 2015. Collection method: clinical testing. Allele origin: germline. Affected: yes.

Illumina Laboratory Services, Illumina
Classification: Likely benign for Colorectal cancer, hereditary nonpolyposis, type 7. Last evaluated: 2017-04-27. Review status: criteria provided, single submitter. Criteria: ICSL Variant Classification Criteria 13 December 2019. Collection method: clinical testing. Allele origin: germline.
Comment: This variant was observed as part of a predisposition screen in an ostensibly healthy population. A literature search was performed for the gene, cDNA change, and amino acid change (where applicable). Publications were found based on this search. The evidence from the literature, in combination with allele frequency data from public databases where available, was sufficient to determine this variant is unlikely to cause disease. Therefore, this variant is classified as likely benign.

Breakthrough Genomics
Classification: Likely benign. Review status: criteria provided, single submitter. Criteria: ACMG Guidelines, 2015. Collection method: not provided. Allele origin: germline. Inheritance: Autosomal dominant inheritance. Affected: yes.

OMIM
Classification: Uncertain significance for RECLASSIFIED - VARIANT OF UNKNOWN SIGNIFICANCE. Last evaluated: 2009-04-01. Review status: no assertion criteria provided. Collection method: literature only. Allele origin: germline. Not counted in ClinVar's aggregate classification.

Clinical Genetics, Academic Medical Center
Classification: Benign. Review status: no assertion criteria provided. Collection method: clinical testing. Allele origin: germline. Affected: yes. Study: VKGL Data-share Consensus. Not counted in ClinVar's aggregate classification.

Department of Pathology and Laboratory Medicine, Sinai Health System
Classification: Likely benign. Review status: no assertion criteria provided. Collection method: clinical testing. Allele origin: unknown. Affected: yes. Study: The Canadian Open Genetics Repository (COGR). Not counted in ClinVar's aggregate classification.
Comment: The MLH3 p.Glu624Gln variant was identified in 7 of 1036 proband chromosomes (frequency: 0.00676) from individuals or families with suspected Lynch syndrome or colorectal cancer (Wu_2001_PMID: 11586295, Liu_2003_PMID: 12702580, Rohlin_2017_PMID: 27696107, & Hienonen_2003_PMID: 12800209). The variant was also identified in the following databases: dbSNP (ID: rs28756986) as â€šÃ„ÃºWith Uncertain significance alleleâ€šÃ„Ã¹, ClinVar (classified as benign by Invitae with the associated phenotype of Hereditary nonpolyposis colorectal cancer type 7/MLH3-Related Lynch Syndrome; and uncertain significance by OMIM), and LOVD 3.0 (multiple entries with classifications of VUS, likely benign, and pathogenic). The variant was not identified in the Cosmic database. The variant was identified in control databases in 2120 of 282638 chromosomes (11 homozygous) at a frequency of 0.007501 increasing the likelihood this could be a low frequency benign variant (Genome Aggregation Database Feb 27, 2017). The variant was observed in the following populations: European (non-Finnish) in 1516 of 129054 chromosomes (freq: 0.01175), European (Finnish) in 201 of 25108 chromosomes (freq: 0.008005), Other in 49 of 7218 chromosomes (freq: 0.006789), Latino in 210 of 35396 chromosomes (freq: 0.005933), Ashkenazi Jewish in 39 of 10362 chromosomes (freq: 0.003764), African in 51 of 24968 chromosomes (freq: 0.002043), South Asian in 53 of 30584 chromosomes (freq: 0.001733) and East Asian in 1 of 19948 chromosomes (freq: 0.00005). To clarify the role of the p.E624Q, in vitro functional studies were conducted transfecting wildtype and mutant MLH3 into HEK293T cells which showed no difference in protein expression, stability, localization or interaction with wildtype MLH1 (Ou_2009_PMID: 19156873). The variant occurs outside of the splicing consensus sequence and in silico or computational prediction software programs (SpliceSiteFinder, MaxEntScan, NNSPLICE, and GeneSplicer) do not predict a difference in splicing. The p.Glu624 residue is conserved in mammals but not in more distantly related organisms, however four out of five computational analyses (SIFT, AlignGVGD, BLOSUM, and MutationTaster) do not suggest a high likelihood of impact to the protein; this information is not predictive enough to rule out pathogenicity. In summary, based on the above information the clinical significance of this variant cannot be determined with certainty at this time although we would lean towards a more benign role for this variant. This variant is classified as likely benign.

Laboratory of Diagnostic Genome Analysis, Leiden University Medical Center (LUMC)
Classification: Likely benign. Review status: no assertion criteria provided. Collection method: clinical testing. Allele origin: germline. Affected: yes. Study: VKGL Data-share Consensus. Not counted in ClinVar's aggregate classification.

Literature cited by the submitters: PubMed 11586295 (cited by Illumina Laboratory Services, Illumina and OMIM); PubMed 19156873 (cited by Illumina Laboratory Services, Illumina and OMIM); PubMed 12702580 (cited by OMIM).